The following is an entry in ClinVar:

ClinVar aggregate classification (germline): Likely pathogenic (0 of 4 stars; one submission).

Conditions:
Pigmentary pallidal degeneration (NBIA1). Also called: Pantothenate Kinase-Associated Neurodegeneration; Neuroaxonal dystrophy, late infantile; Hallervorden-Spatz disease; PKAN NEUROAXONAL DYSTROPHY, JUVENILE-ONSET; HARP SYNDROME; Neurodegeneration with brain iron accumulation 1. Identifiers: Orphanet 157850, MedGen C0018523, MONDO:0009319, OMIM 234200.

Submission:

Foundation for Research in Genetics and Endocrinology, FRIGE's Institute of Human Genetics
Classification: Likely pathogenic for Pigmentary pallidal degeneration. Last evaluated: 2017-05-10. Review status: no assertion criteria provided. Collection method: clinical testing. Allele origin: germline. Inheritance: Autosomal recessive inheritance. Affected: yes. Observed: 1 variant allele, 1 homozygote.
Comment: The observed variant is not reported in 1000 genomes and ExAC databases. The in silico prediction of the mutation is probably damaging by Polyphen2, damaging by MutationTaster2, and tolerated by SIFT.

NM_001386393.1(PANK2):c.*40G>C

Gene: PANK2 (pantothenate kinase 2; plus strand). Cytogenetic location: 20p13.
Variant type: single nucleotide variant.
Coding change: c.*40G>C on transcript NM_001386393.1 (MANE Select); 40 bases downstream of the stop codon, G replaced by C.
Molecular consequence: 3 prime UTR variant. On other transcripts: non-coding transcript variant (1).
Genome position (GRCh38, 1-based): chr20:3,923,334, G>C. VCF-style: chr20-3923334-G-C. GRCh37 (hg19) VCF-style: chr20-3903981-G-C.
Other names: c.880G>C (NM_001324191.1); c.*40G>C (NM_001324191.2, NM_001324193.2, NM_024960.6 and 2 more transcripts).
Identifiers: ClinVar variation 430728 (VCV000430728.2), dbSNP rs1131692166, ClinGen allele CA645372658.